The following is an entry in ClinVar:

NM_020779.4(WDR35):c.3254C>A (p.Thr1085Asn)

Gene: WDR35 (WD repeat domain 35; minus strand). Cytogenetic location: 2p24.1.
Variant type: single nucleotide variant.
Coding change: c.3254C>A on transcript NM_020779.4 (MANE Select); coding-DNA position 3254, C replaced by A.
Protein change: p.Thr1085Asn; replaces threonine 1085 with asparagine.
Molecular consequence: missense variant.
Genome position (GRCh38, 1-based): chr2:19,914,145, G>T on the plus strand (C>A on the coding strand, the complement: WDR35 is on the minus strand). VCF-style: chr2-19914145-G-T. GRCh37 (hg19) VCF-style: chr2-20113906-G-T.
Other names: c.3287C>A, p.Thr1096Asn (NM_001006657.2); short protein forms T1085N, T1096N.
Identifiers: ClinVar variation 1016710 (VCV001016710.5), dbSNP rs190070503, ClinGen allele CA43853357.

ClinVar aggregate classification (germline): Uncertain significance (1 of 4 stars; one submission).

Conditions:
Short-rib thoracic dysplasia 7 with or without polydactyly (SRTD7). Also called: Short rib polydactyly syndrome 5; SHORT-RIB THORACIC DYSPLASIA 7 WITH POLYDACTYLY. Identifiers: Orphanet 498497, Orphanet 93271, MedGen C3279792, MONDO:0013569, OMIM 614091.
Cranioectodermal dysplasia 2 (CED2). Identifiers: Orphanet 1515, MedGen C3150874, MONDO:0013323, OMIM 613610.

Allele frequency attached by ClinVar (database versions not stated): gnomAD 0.00002 and 0.00003; gnomAD exomes 0.00002; TOPMed 0.00002; 1000 Genomes Project 0.00020; 1000 Genomes Project 30x 0.00031.
gnomAD v4.1: 39 of 1,614,130 alleles (0.0024%); highest among the groups gnomAD compares: Non-Finnish European, 0.0031%; no homozygotes.

Submission:

Labcorp Genetics (formerly Invitae), Labcorp
Classification: Uncertain significance for Cranioectodermal dysplasia 2; Short-rib thoracic dysplasia 7 with or without polydactyly. Last evaluated: 2025-08-21. Review status: criteria provided, single submitter. Criteria: Invitae Variant Classification Sherloc (09022015). Collection method: clinical testing. Allele origin: germline.
Comment: This sequence change replaces threonine, which is neutral and polar, with asparagine, which is neutral and polar, at codon 1096 of the WDR35 protein (p.Thr1096Asn). This variant is present in population databases (rs190070503, gnomAD 0.004%). This variant has not been reported in the literature in individuals affected with WDR35-related conditions. ClinVar contains an entry for this variant (Variation ID: 1016710). Invitae Evidence Modeling of protein sequence and biophysical properties (such as structural, functional, and spatial information, amino acid conservation, physicochemical variation, residue mobility, and thermodynamic stability) indicates that this missense variant is not expected to disrupt WDR35 protein function with a negative predictive value of 95%. In summary, the available evidence is currently insufficient to determine the role of this variant in disease. Therefore, it has been classified as a Variant of Uncertain Significance.